The following is an entry in ClinVar:

ClinVar aggregate classification (germline): Uncertain significance (1 of 4 stars; one submission).

Conditions:
TUB-related disorder. Also called: TUB-related condition.

Submission:

PreventionGenetics, part of Exact Sciences
Classification: Uncertain significance for TUB-related condition. Last evaluated: 2025-07-31. Review status: criteria provided, single submitter. Criteria: ACMG Guidelines, 2015. Collection method: clinical testing. Allele origin: germline.
Comment: The TUB c.1268C>T variant is predicted to result in the amino acid substitution p.Ala423Val. To our knowledge, this variant has not been reported in the literature or in a large population database (gnomAD), indicating this variant is rare. At this time, the clinical significance of this variant is uncertain due to the absence of conclusive functional and genetic evidence.

NM_177972.3(TUB):c.1103C>T (p.Ala368Val)

Genes: RIC3 (RIC3 acetylcholine receptor chaperone; minus strand), TUB (TUB bipartite transcription factor; plus strand). Cytogenetic location: 11p15.4.
Variant type: single nucleotide variant.
Coding change: c.1103C>T on transcript NM_177972.3 (MANE Select); coding-DNA position 1103, C replaced by T.
Protein change: p.Ala368Val; replaces alanine 368 with valine.
Molecular consequence: missense variant.
Genome position (GRCh38, 1-based): chr11:8,098,862, C>T. VCF-style: chr11-8098862-C-T. GRCh37 (hg19) VCF-style: chr11-8120409-C-T.
Other names: c.1121C>T, p.Ala374Val (NM_001440538.1, NM_001440539.1); c.953C>T, p.Ala318Val (NM_001440540.1, NM_001440542.1); c.935C>T, p.Ala312Val (NM_001440541.1); c.1268C>T, p.Ala423Val (NM_003320.5); short protein forms A374V, A312V, A423V, A318V, A368V.
Identifiers: ClinVar variation 4998109 (VCV004998109.1).